The following is an entry in ClinVar:

ClinVar aggregate classification (germline): Uncertain significance (1 of 4 stars; one submission).

Conditions:
Brugada syndrome 4 (BRGDA4). Identifiers: Orphanet 130, MedGen C2678477, MONDO:0012743, OMIM 611876.

Submission:

Labcorp Genetics (formerly Invitae), Labcorp
Classification: Uncertain significance for Brugada syndrome 4. Last evaluated: 2026-01-21. Review status: criteria provided, single submitter. Criteria: Invitae Variant Classification Sherloc (09022015). Collection method: clinical testing. Allele origin: germline.
Comment: This sequence change replaces isoleucine, which is neutral and non-polar, with leucine, which is neutral and non-polar, at codon 7 of the CACNB2 protein (p.Ile7Leu). This variant is not present in population databases (gnomAD no frequency). This variant has not been reported in the literature in individuals affected with CACNB2-related conditions. An algorithm developed to predict the effect of missense changes on protein structure and function (PolyPhen-2) suggests that this variant is likely to be tolerated. In summary, the available evidence is currently insufficient to determine the role of this variant in disease. Therefore, it has been classified as a Variant of Uncertain Significance.

NM_201590.3(CACNB2):c.19A>C (p.Ile7Leu)

Gene: CACNB2 (calcium voltage-gated channel auxiliary subunit beta 2; plus strand). Cytogenetic location: 10p12.32.
Variant type: single nucleotide variant.
Coding change: c.19A>C on transcript NM_201590.3 (MANE Plus Clinical); coding-DNA position 19, A replaced by C.
Protein change: p.Ile7Leu; replaces isoleucine 7 with leucine.
Molecular consequence: missense variant. On other transcripts: intron variant (8).
Genome position (GRCh38, 1-based): chr10:18,340,945, A>C. VCF-style: chr10-18340945-A-C. GRCh37 (hg19) VCF-style: chr10-18629874-A-C.
Other names: c.130-60979A>C (NM_201571.4, NM_001167945.2, NM_201572.4); c.214-60979A>C (NM_201596.3, NM_201593.3, NM_201597.3); c.49-60979A>C (NM_000724.4, NM_001330060.2); short protein forms I7L.
Identifiers: ClinVar variation 4735918 (VCV004735918.1).
Genomic context (GRCh38, chr10:18,340,945, plus strand): 5'-AATTCCTGCTGGAGTGCTGGGCGCACTTGGAATTGGTCTAGCATGCTTGACAGACGCCTT[A>C]TAGCTCCTCAAACTAAATACATTATTCCTGGGGTAAGCATACGGGAGAGAAGCCGGCCAG-3'
Protein context (NP_963884.2, residues 1-17): MLDRRL[Ile7Leu]APQTKYIIPG